The following is an entry in ClinVar:

ClinVar aggregate classification (germline): Uncertain significance. Review status: criteria provided, multiple submitters, no conflicts (2 of 4 stars). 2 submissions from 2 submitters: Uncertain significance (2). Last evaluated 2025-08-07.

Conditions:
Inborn genetic diseases. Identifiers: MedGen C0950123, MeSH D030342.

Submissions (2):

Ambry Genetics
Classification: Uncertain significance for Inborn genetic diseases. Last evaluated: 2025-08-07. Review status: criteria provided, single submitter. Criteria: Ambry Variant Classification Scheme 2023. Collection method: clinical testing. Allele origin: germline.

Labcorp Genetics (formerly Invitae), Labcorp
Classification: Uncertain significance. Last evaluated: 2022-06-08. Review status: criteria provided, single submitter. Criteria: Invitae Variant Classification Sherloc (09022015). Collection method: clinical testing. Allele origin: germline.
Comment: In summary, the available evidence is currently insufficient to determine the role of this variant in disease. Therefore, it has been classified as a Variant of Uncertain Significance. Algorithms developed to predict the effect of missense changes on protein structure and function (SIFT, PolyPhen-2, Align-GVGD) all suggest that this variant is likely to be tolerated. This variant has not been reported in the literature in individuals affected with CNNM4-related conditions. This variant is not present in population databases (gnomAD no frequency). This sequence change replaces leucine, which is neutral and non-polar, with glutamine, which is neutral and polar, at codon 169 of the CNNM4 protein (p.Leu169Gln).

NM_020184.4(CNNM4):c.506T>A (p.Leu169Gln)

Gene: CNNM4 (cyclin and CBS domain divalent metal cation transport mediator 4; plus strand). Cytogenetic location: 2q11.2.
Variant type: single nucleotide variant.
Coding change: c.506T>A on transcript NM_020184.4 (MANE Select); coding-DNA position 506, T replaced by A.
Protein change: p.Leu169Gln; replaces leucine 169 with glutamine.
Molecular consequence: missense variant.
Genome position (GRCh38, 1-based): chr2:96,761,505, T>A. VCF-style: chr2-96761505-T-A. GRCh37 (hg19) VCF-style: chr2-97427242-T-A.
Other names: c.506T>A (NM_020184.3); short protein forms L169Q.
Identifiers: ClinVar variation 1947407 (VCV001947407.6), dbSNP rs2469453038, ClinGen allele CA347714121.